The following is an entry in ClinVar:

ClinVar aggregate classification (germline): Conflicting classifications of pathogenicity. Review status: criteria provided, conflicting classifications (1 of 4 stars). 3 submissions from 3 submitters: Uncertain significance (2); Benign (1). Last evaluated 2025-06-01.

Conditions:
Intellectual developmental disorder, autosomal dominant 46. Also called: Intellectual disability, autosomal dominant 46; MENTAL RETARDATION, AUTOSOMAL DOMINANT 46. Identifiers: MedGen C4539851, MONDO:0030911, OMIM 617601.

Allele frequency attached by ClinVar (database versions not stated): TOPMed below 0.00001; gnomAD exomes 0.00001.
gnomAD v4.1: 6 of 1,614,190 alleles (0.00037%); highest among the groups gnomAD compares: Non-Finnish European, 0.00051%; no homozygotes.

Submissions (3):

CeGaT Center for Human Genetics Tuebingen
Classification: Uncertain significance. Last evaluated: 2025-06-01. Review status: criteria provided, single submitter. Criteria: CeGaT Center For Human Genetics Tuebingen Variant Classification Criteria Version 2. Collection method: clinical testing. Allele origin: germline. Affected: yes. Observed: 1 variant allele.

Labcorp Genetics (formerly Invitae), Labcorp
Classification: Benign. Last evaluated: 2022-05-27. Review status: criteria provided, single submitter. Criteria: Invitae Variant Classification Sherloc (09022015). Collection method: clinical testing. Allele origin: germline.

Centre for Mendelian Genomics, University Medical Centre Ljubljana
Classification: Uncertain significance for Intellectual developmental disorder, autosomal dominant 46. Last evaluated: 2020-03-17. Review status: criteria provided, single submitter. Criteria: ACMG Guidelines, 2015. Collection method: clinical testing. Allele origin: unknown. Affected: yes.
Comment: This variant was classified as: Uncertain significance. The available evidence on this variant's pathogenicity is insufficient or conflicting. The following ACMG criteria were applied in classifying this variant: PM2.

NM_019842.4(KCNQ5):c.2478G>C (p.Leu826Phe)

Gene: KCNQ5 (potassium voltage-gated channel subfamily Q member 5; plus strand). Cytogenetic location: 6q13.
Variant type: single nucleotide variant.
Coding change: c.2478G>C on transcript NM_019842.4 (MANE Select); coding-DNA position 2478, G replaced by C.
Protein change: p.Leu826Phe; replaces leucine 826 with phenylalanine.
Molecular consequence: missense variant.
Genome position (GRCh38, 1-based): chr6:73,195,093, G>C. VCF-style: chr6-73195093-G-C. GRCh37 (hg19) VCF-style: chr6-73904816-G-C.
Other names: c.2451G>C, p.Leu817Phe (NM_001160130.2); c.2508G>C, p.Leu836Phe (NM_001160132.2); c.2535G>C, p.Leu845Phe (NM_001160133.2); c.2148G>C, p.Leu716Phe (NM_001160134.2); short protein forms L817F, L836F, L845F, L716F, L826F.
Identifiers: ClinVar variation 931884 (VCV000931884.15), dbSNP rs1765738668, ClinGen allele CA364696397.
Genomic context (GRCh38, chr6:73,195,093, plus strand): 5'-AAGCTTTGACATGGGAGGAGAAACTCTGTTGTCTGTCTGTCCCATGGTGCCGAAGGACTT[G>C]GGCAAATCTTTGTCTGTGCAAAACCTGATCAGGTCGACCGAGGAACTGAATATACAACTT-3'
Protein context (NP_062816.2, residues 816-836): LSVCPMVPKD[Leu826Phe]GKSLSVQNLI